The following is an entry in ClinVar:

ClinVar aggregate classification (germline): Uncertain significance (1 of 4 stars; one submission).

Allele frequency attached by ClinVar (database versions not stated): ExAC 0.00002; gnomAD 0.00002; gnomAD exomes 0.00003; TOPMed 0.00003.
gnomAD v4.1: 46 of 1,607,908 alleles (0.0029%); highest among the groups gnomAD compares: Non-Finnish European, 0.0031%; no homozygotes.

Submission:

Labcorp Genetics (formerly Invitae), Labcorp
Classification: Uncertain significance. Last evaluated: 2024-10-24. Review status: criteria provided, single submitter. Criteria: Invitae Variant Classification Sherloc (09022015). Collection method: clinical testing. Allele origin: germline.
Comment: This sequence change replaces isoleucine, which is neutral and non-polar, with serine, which is neutral and polar, at codon 479 of the PNPLA8 protein (p.Ile479Ser). This variant is present in population databases (rs760094418, gnomAD 0.006%). This variant has not been reported in the literature in individuals affected with PNPLA8-related conditions. ClinVar contains an entry for this variant (Variation ID: 1405567). An algorithm developed to predict the effect of missense changes on protein structure and function (PolyPhen-2) suggests that this variant is likely to be disruptive. In summary, the available evidence is currently insufficient to determine the role of this variant in disease. Therefore, it has been classified as a Variant of Uncertain Significance.

NM_001256007.3(PNPLA8):c.1436T>G (p.Ile479Ser)

Gene: PNPLA8 (patatin like domain 8, phospholipase A2; minus strand). Cytogenetic location: 7q31.1.
Variant type: single nucleotide variant.
Coding change: c.1436T>G on transcript NM_001256007.3 (MANE Select); coding-DNA position 1436, T replaced by G.
Protein change: p.Ile479Ser; replaces isoleucine 479 with serine.
Molecular consequence: missense variant.
Genome position (GRCh38, 1-based): chr7:108,497,500, A>C on the plus strand (T>G on the coding strand, the complement: PNPLA8 is on the minus strand). VCF-style: chr7-108497500-A-C. GRCh37 (hg19) VCF-style: chr7-108137944-A-C.
Other names: c.1436T>G, p.Ile479Ser (NM_001256008.3, NM_001256009.3, NM_015723.5); c.1136T>G, p.Ile379Ser (NM_001256010.3, NM_001256011.3); short protein forms I379S, I479S.
Identifiers: ClinVar variation 1405567 (VCV001405567.5), dbSNP rs760094418, ClinGen allele CA4439569.
Genomic context (GRCh38, chr7:108,497,500, plus strand): 5'-AATGTACTGCCAGAATGCACCACTTCCATATAATAATAATTACCTGTGCTTACACCACAA[A>C]TGTAATCAAAGAGCTGATGAACTGGCTTCTGAGTAAGTTCAACTAATTTTCGTAGGGTCT-3'
Protein context (NP_001242936.1, residues 469-489): QKPVHQLFDY[Ile479Ser]CGVSTGAILA